The following is an entry in ClinVar:

ClinVar aggregate classification (germline): Uncertain significance (1 of 4 stars; one submission).

Conditions:
MYH3-related disorder. Also called: MYH3-Related Disorders; MYH3-related condition. Identifiers: MedGen CN239329.

Submission:

PreventionGenetics, part of Exact Sciences
Classification: Uncertain significance for MYH3-related condition. Last evaluated: 2025-08-22. Review status: criteria provided, single submitter. Criteria: ACMG Guidelines, 2015. Collection method: clinical testing. Allele origin: germline.
Comment: The MYH3 c.1430T>G variant is predicted to result in the amino acid substitution p.Leu477Arg. To our knowledge, this variant has not been reported in the literature or in a large population database (gnomAD), indicating this variant is rare. At this time, the clinical significance of this variant is uncertain due to the absence of conclusive functional and genetic evidence.

NM_002470.4(MYH3):c.1430T>G (p.Leu477Arg)

Gene: MYH3 (myosin heavy chain 3; minus strand). Cytogenetic location: 17p13.1.
Variant type: single nucleotide variant.
Coding change: c.1430T>G on transcript NM_002470.4 (MANE Select); coding-DNA position 1430, T replaced by G.
Protein change: p.Leu477Arg; replaces leucine 477 with arginine.
Molecular consequence: missense variant.
Genome position (GRCh38, 1-based): chr17:10,642,977, A>C on the plus strand (T>G on the coding strand, the complement: MYH3 is on the minus strand). VCF-style: chr17-10642977-A-C. GRCh37 (hg19) VCF-style: chr17-10546294-A-C.
Other names: short protein forms L477R.
Identifiers: ClinVar variation 4991815 (VCV004991815.1).